The following is an entry in ClinVar:

NM_020338.4(ZMIZ1):c.567C>G (p.Ala189=)

Gene: ZMIZ1 (zinc finger MIZ-type containing 1; plus strand). Cytogenetic location: 10q22.3.
Variant type: single nucleotide variant.
Coding change: c.567C>G on transcript NM_020338.4 (MANE Select); coding-DNA position 567, C replaced by G.
Protein change: p.Ala189=; no amino-acid change (alanine 189 retained).
Molecular consequence: synonymous variant.
Genome position (GRCh38, 1-based): chr10:79,290,985, C>G. VCF-style: chr10-79290985-C-G. GRCh37 (hg19) VCF-style: chr10-81050742-C-G.
Identifiers: ClinVar variation 4085230 (VCV004085230.8).

ClinVar aggregate classification (germline): Likely benign (1 of 4 stars; one submission).

Submission:

CeGaT Center for Human Genetics Tuebingen
Classification: Likely benign. Last evaluated: 2025-06-01. Review status: criteria provided, single submitter. Criteria: CeGaT Center For Human Genetics Tuebingen Variant Classification Criteria Version 2. Collection method: clinical testing. Allele origin: germline. Affected: yes. Observed: 1 variant allele.
Comment: ZMIZ1: PM2:Supporting, BP4, BP7